The following is an entry in ClinVar:

NM_006516.4(SLC2A1):c.-115G>C

Gene: SLC2A1 (solute carrier family 2 member 1; minus strand). Cytogenetic location: 1p34.2.
Variant type: single nucleotide variant.
Coding change: c.-115G>C on transcript NM_006516.4 (MANE Select); 115 bases upstream of the start codon, G replaced by C.
Molecular consequence: 5 prime UTR variant.
Genome position (GRCh38, 1-based): chr1:42,958,766, C>G on the plus strand (G>C on the coding strand, the complement: SLC2A1 is on the minus strand). VCF-style: chr1-42958766-C-G. GRCh37 (hg19) VCF-style: chr1-43424437-C-G.
Identifiers: ClinVar variation 3357180 (VCV003357180.1).
Genomic context (GRCh38, chr1:42,958,766, plus strand): 5'-GTGCGAGCGGCGCTCTCCCGCTCAGGCTCGTGCTCCGGTCCGGGGACTCCCACTGCGACT[C>G]TGACTCCGACCCCCGTCGTTTGGTCTCCTGCTCCCTGGCGTGCTCACTCGGGGACCCGCG-3'

ClinVar aggregate classification (germline): Likely benign (0 of 4 stars; one submission).

Conditions:
SLC2A1-related disorder. Also called: SLC2A1-related condition; SLC2A1-related disorders.

Submission:

PreventionGenetics, part of Exact Sciences
Classification: Likely benign for SLC2A1-related condition. Last evaluated: 2024-04-23. Review status: no assertion criteria provided. Collection method: clinical testing. Allele origin: germline.
Comment: This variant is classified as likely benign based on ACMG/AMP sequence variant interpretation guidelines (Richards et al. 2015 PMID: 25741868, with internal and published modifications).